The following is an entry in ClinVar:

ClinVar aggregate classification (germline): Pathogenic/Likely pathogenic. Review status: criteria provided, multiple submitters, no conflicts (2 of 4 stars). 2 submissions from 2 submitters: Pathogenic (1); Likely pathogenic (1). Last evaluated 2024-07-02.

Conditions:
Primary ciliary dyskinesia. Also called: Ciliary dyskinesia. Identifiers: Orphanet 244, MedGen C0008780, MONDO:0016575, HP:0012265.
Primary ciliary dyskinesia 7. Also called: CILIARY DYSKINESIA, PRIMARY, 7, WITH OR WITHOUT SITUS INVERSUS. Identifiers: Orphanet 244, MedGen C2678473, MONDO:0012748, OMIM 611884.

Submissions (2):

Labcorp Genetics (formerly Invitae), Labcorp
Classification: Pathogenic for Primary ciliary dyskinesia. Last evaluated: 2024-07-02. Review status: criteria provided, single submitter. Criteria: Invitae Variant Classification Sherloc (09022015). Collection method: clinical testing. Allele origin: germline.
Comment: This sequence change creates a premature translational stop signal (p.Leu545Glyfs*3) in the DNAH11 gene. It is expected to result in an absent or disrupted protein product. Loss-of-function variants in DNAH11 are known to be pathogenic (PMID: 18022865, 20513915, 22184204). This variant is present in population databases (rs756829484, gnomAD 0.002%). This variant has not been reported in the literature in individuals affected with DNAH11-related conditions. For these reasons, this variant has been classified as Pathogenic.

Fulgent Genetics
Classification: Likely pathogenic for Primary ciliary dyskinesia 7. Last evaluated: 2024-05-29. Review status: criteria provided, single submitter. Criteria: ACMG Guidelines, 2015. Collection method: clinical testing. Allele origin: germline.

Literature cited by the submitters: PubMed 18022865 (cited by Labcorp Genetics (formerly Invitae), Labcorp); PubMed 20513915 (cited by Labcorp Genetics (formerly Invitae), Labcorp); PubMed 22184204 (cited by Labcorp Genetics (formerly Invitae), Labcorp).

NM_001277115.2(DNAH11):c.1633_1634del (p.Leu545fs)

Gene: DNAH11 (dynein axonemal heavy chain 11; plus strand). Cytogenetic location: 7p15.3.
Variant type: Microsatellite.
Coding change: c.1633_1634del on transcript NM_001277115.2 (MANE Select); coding-DNA positions 1633 to 1634, 2 bases deleted (CT; older notation c.1633_1634delCT).
Protein change: p.Leu545fs; shifts the reading frame from leucine 545.
Molecular consequence: frameshift variant.
Genome position (GRCh38, 1-based): chr7:21,581,944-21,581,945, CT deleted; deleting any 2 consecutive bases within chr7:21,581,942-21,581,945 gives the same sequence; the c. name uses the placement nearest the transcript's 3' end. VCF-style (leftmost placement, unchanged base first): chr7-21581941-ACT-A. GRCh37 (hg19) VCF-style: chr7-21621559-ACT-A.
Other names: c.1631_1632CT[1], p.Leu545Glyfs (NM_003777.3); short protein forms L545fs.
Identifiers: ClinVar variation 2799572 (VCV002799572.4), dbSNP rs756829484, ClinGen allele CA4179048.